The following is an entry in ClinVar:

NM_001379500.1(COL18A1):c.908C>T (p.Thr303Ile)

Gene: COL18A1 (collagen type XVIII alpha 1 chain; plus strand). Cytogenetic location: 21q22.3.
Variant type: single nucleotide variant.
Coding change: c.908C>T on transcript NM_001379500.1 (MANE Select); coding-DNA position 908, C replaced by T.
Protein change: p.Thr303Ile; replaces threonine 303 with isoleucine.
Molecular consequence: missense variant.
Genome position (GRCh38, 1-based): chr21:45,476,460, C>T. VCF-style: chr21-45476460-C-T. GRCh37 (hg19) VCF-style: chr21-46896374-C-T.
Other names: c.1448C>T, p.Thr483Ile (NM_030582.4); c.2153C>T, p.Thr718Ile (NM_130444.3); short protein forms T303I, T483I, T718I.
Identifiers: ClinVar variation 2813804 (VCV002813804.3), dbSNP rs2035657930, ClinGen allele CA410514599.

ClinVar aggregate classification (germline): Uncertain significance (1 of 4 stars; one submission).

gnomAD v4.1: 1 of 1,612,406 alleles (0.000062%); highest among the groups gnomAD compares: African/African-American, 0.0013%; no homozygotes.

Submission:

Labcorp Genetics (formerly Invitae), Labcorp
Classification: Uncertain significance. Last evaluated: 2022-11-14. Review status: criteria provided, single submitter. Criteria: Invitae Variant Classification Sherloc (09022015). Collection method: clinical testing. Allele origin: germline.
Comment: This sequence change replaces threonine, which is neutral and polar, with isoleucine, which is neutral and non-polar, at codon 303 of the COL18A1 protein (p.Thr303Ile). This variant is not present in population databases (gnomAD no frequency). This variant has not been reported in the literature in individuals affected with COL18A1-related conditions. Experimental studies and prediction algorithms are not available or were not evaluated, and the functional significance of this variant is currently unknown. In summary, the available evidence is currently insufficient to determine the role of this variant in disease. Therefore, it has been classified as a Variant of Uncertain Significance.